The following is an entry in ClinVar:

NM_053025.4(MYLK):c.2053G>A (p.Val685Met)

Gene: MYLK (myosin light chain kinase; minus strand). Cytogenetic location: 3q21.1.
Variant type: single nucleotide variant.
Coding change: c.2053G>A on transcript NM_053025.4 (MANE Select); coding-DNA position 2053, G replaced by A.
Protein change: p.Val685Met; replaces valine 685 with methionine.
Molecular consequence: missense variant.
Genome position (GRCh38, 1-based): chr3:123,708,785, C>T on the plus strand (G>A on the coding strand, the complement: MYLK is on the minus strand). VCF-style: chr3-123708785-C-T. GRCh37 (hg19) VCF-style: chr3-123427632-C-T.
Other names: c.1525G>A, p.Val509Met (NM_001321309.2); c.1846G>A, p.Val616Met (NM_053026.4, NM_053028.4); c.2053G>A, p.Val685Met (NM_053027.4); short protein forms V616M, V685M, V509M.
Identifiers: ClinVar variation 1785104 (VCV001785104.2), dbSNP rs2474304537, ClinGen allele CA354234370.

ClinVar aggregate classification (germline): Uncertain significance (1 of 4 stars; one submission).

Conditions:
Familial thoracic aortic aneurysm and aortic dissection (TAAD). Also called: Thoracic aortic aneurysms and dissections. Identifiers: Orphanet 91387, MedGen C4707243, MONDO:0019625.

Allele frequency attached by ClinVar (database versions not stated): gnomAD exomes below 0.00001.

Submission:

Ambry Genetics
Classification: Uncertain significance for Familial thoracic aortic aneurysm and aortic dissection. Last evaluated: 2021-09-21. Review status: criteria provided, single submitter. Criteria: Ambry Variant Classification Scheme 2023. Collection method: clinical testing. Allele origin: germline.
Comment: The p.V685M variant (also known as c.2053G>A), located in coding exon 12 of the MYLK gene, results from a G to A substitution at nucleotide position 2053. The valine at codon 685 is replaced by methionine, an amino acid with highly similar properties. This amino acid position is conserved. In addition, the in silico prediction for this alteration is inconclusive. Since supporting evidence is limited at this time, the clinical significance of this alteration remains unclear.